The following is an entry in ClinVar:

ClinVar aggregate classification (germline): Pathogenic/Likely pathogenic. Review status: criteria provided, multiple submitters, no conflicts (2 of 4 stars). 4 submissions from 4 submitters: Pathogenic (2); Likely pathogenic (1). 1 of the submissions does not count toward it. Last evaluated 2023-07-08.

Conditions:
Hyperphosphatasia with impaired intellectual development syndrome 3. Also called: GLYCOSYLPHOSPHATIDYLINOSITOL BIOSYNTHESIS DEFECT 8; Hyperphosphatasia with intellectual disability syndrome 3. Identifiers: Orphanet 247262, MedGen C3280153, MONDO:0013628, OMIM 614207.
Cerebellar ataxia, intellectual disability, and dysequilibrium syndrome 3 (SCAR34). Also called: CEREBELLAR ATAXIA AND MENTAL RETARDATION WITH OR WITHOUT QUADRUPEDAL LOCOMOTION 3; SPINOCEREBELLAR ATAXIA, AUTOSOMAL RECESSIVE 34. Identifiers: Orphanet 1766, MedGen C2750509, MONDO:0013188, OMIM 613227.

gnomAD v4.1: 24 of 1,614,024 alleles (0.0015%); highest among the groups gnomAD compares: South Asian, 0.022%; no homozygotes.

Submissions (4):

Institute of Experimental Medicine, Department of Genetics, Istanbul University
Classification: Pathogenic for Hyperphosphatasia with impaired intellectual development syndrome 3. Last evaluated: 2023-07-08. Review status: criteria provided, single submitter. Criteria: ACMG Guidelines, 2015. Collection method: research. Allele origin: germline. Affected: yes. Observed: 2 variant alleles.

Institute for Genomic Statistics and Bioinformatics, University Hospital Bonn
Classification: Pathogenic for Hyperphosphatasia with impaired intellectual development syndrome 3. Review status: criteria provided, single submitter. Criteria: ACMG Guidelines, 2015. Collection method: clinical testing. Allele origin: unknown. Affected: yes. Observed: 1 variant allele.

Neuberg Centre For Genomic Medicine, NCGM
Classification: Likely pathogenic for Cerebellar ataxia, intellectual disability, and dysequilibrium syndrome 3. Review status: criteria provided, single submitter. Criteria: ACMG Guidelines, 2015. Collection method: clinical testing. Allele origin: germline. Inheritance: Autosomal recessive inheritance. Affected: yes.
Comment: In vitro functional expression studies in CHO cells showed that the mutant protein was expressed but had significantly decreased activity compared to wildtype (Hansen L et al., 2013).

OMIM
Classification: Pathogenic for HYPERPHOSPHATASIA WITH IMPAIRED INTELLECTUAL DEVELOPMENT SYNDROME 3. Last evaluated: 2013-04-04. Review status: no assertion criteria provided. Collection method: literature only. Allele origin: germline. Not counted in ClinVar's aggregate classification.

Literature cited by the submitters: PubMed 21643797 (cited by OMIM); PubMed 23561846 (cited by OMIM).

NM_014489.4(PGAP2):c.713G>C (p.Arg238Pro)

Gene: PGAP2 (post-GPI attachment to proteins 2; plus strand). Cytogenetic location: 11p15.4.
Variant type: single nucleotide variant.
Coding change: c.713G>C on transcript NM_014489.4 (MANE Select); coding-DNA position 713, G replaced by C.
Protein change: p.Arg238Pro; replaces arginine 238 with proline.
Molecular consequence: missense variant. On other transcripts: non-coding transcript variant (15), synonymous variant (8).
Genome position (GRCh38, 1-based): chr11:3,825,024, G>C. VCF-style: chr11-3825024-G-C. GRCh37 (hg19) VCF-style: chr11-3846254-G-C.
Other names: c.528G>C, p.Ser176= (NM_001346401.2); c.650G>C, p.Arg217Pro (NM_001346402.2); c.792G>C, p.Ser264= (NM_001346403.1); c.609G>C, p.Ser203= (NM_001346404.1, NM_001256237.2); c.530G>C, p.Arg177Pro (NM_001346405.1, NM_001256240.2, NM_001283038.2 and 1 more transcripts); c.518G>C, p.Arg173Pro (NM_001145438.3, NM_001256239.2, NM_001346400.2); c.584G>C, p.Arg195Pro (NM_001256235.2); c.713G>C, p.Arg238Pro (NM_001256236.2); and 5 more; short protein forms R177P, R195P, R230P, R173P, R217P, R234P, R295P, R228P.
Identifiers: ClinVar variation 50503 (VCV000050503.6), dbSNP rs774843232, ClinGen allele CA5829883.